The following is an entry in ClinVar:

NM_014014.5(SNRNP200):c.4059C>T (p.Gly1353=)

Gene: SNRNP200 (small nuclear ribonucleoprotein U5 subunit 200; minus strand). Cytogenetic location: 2q11.2.
Variant type: single nucleotide variant.
Coding change: c.4059C>T on transcript NM_014014.5 (MANE Select); coding-DNA position 4059, C replaced by T.
Protein change: p.Gly1353=; no amino-acid change (glycine 1353 retained).
Molecular consequence: synonymous variant.
Genome position (GRCh38, 1-based): chr2:96,285,285, G>A on the plus strand (C>T on the coding strand, the complement: SNRNP200 is on the minus strand). VCF-style: chr2-96285285-G-A. GRCh37 (hg19) VCF-style: chr2-96951023-G-A.
Identifiers: ClinVar variation 4998100 (VCV004998100.1).

ClinVar aggregate classification (germline): Likely benign (1 of 4 stars; one submission).

Conditions:
SNRNP200-related disorder. Also called: SNRNP200-related condition.

gnomAD v4.1: 18 of 1,614,012 alleles (0.0011%); highest among the groups gnomAD compares: Non-Finnish European, 0.0014%; no homozygotes.

Submission:

PreventionGenetics, part of Exact Sciences
Classification: Likely benign for SNRNP200-related condition. Last evaluated: 2024-12-31. Review status: criteria provided, single submitter. Criteria: ACMG Guidelines, 2015. Collection method: clinical testing. Allele origin: germline.
Comment: This variant is classified as likely benign based on ACMG/AMP sequence variant interpretation guidelines (Richards et al. 2015 PMID: 25741868, with internal and published modifications).